The following is an entry in ClinVar:

ClinVar aggregate classification (germline): Uncertain significance (1 of 4 stars; one submission).

Submission:

GeneDx
Classification: Uncertain significance. Last evaluated: 2026-03-18. Review status: criteria provided, single submitter. Criteria: GeneDx Variant Classification Process June 2021. Collection method: clinical testing. Allele origin: germline.
Comment: Not observed at significant frequency in large population cohorts (gnomAD); In silico analysis suggests that this missense variant does not alter protein structure/function; Has not been previously published as pathogenic or benign to our knowledge

NM_015021.3(ZNF292):c.2635G>C (p.Glu879Gln)

Gene: ZNF292 (zinc finger protein 292; plus strand). Cytogenetic location: 6q14.3.
Variant type: single nucleotide variant.
Coding change: c.2635G>C on transcript NM_015021.3 (MANE Select); coding-DNA position 2635, G replaced by C.
Protein change: p.Glu879Gln; replaces glutamic acid 879 with glutamine.
Molecular consequence: missense variant.
Genome position (GRCh38, 1-based): chr6:87,256,264, G>C. VCF-style: chr6-87256264-G-C. GRCh37 (hg19) VCF-style: chr6-87965982-G-C.
Other names: c.2215G>C, p.Glu739Gln (NM_001351444.2); short protein forms E739Q, E879Q.
Identifiers: ClinVar variation 5009443 (VCV005009443.1).